The following is an entry in ClinVar:

NM_032387.5(WNK4):c.507C>A (p.Pro169=)

Gene: WNK4 (WNK lysine deficient protein kinase 4; plus strand). Cytogenetic location: 17q21.2.
Variant type: single nucleotide variant.
Coding change: c.507C>A on transcript NM_032387.5 (MANE Select); coding-DNA position 507, C replaced by A.
Protein change: p.Pro169=; no amino-acid change (proline 169 retained).
Molecular consequence: synonymous variant. On other transcripts: 5 prime UTR variant (1).
Genome position (GRCh38, 1-based): chr17:42,781,205, C>A. VCF-style: chr17-42781205-C-A. GRCh37 (hg19) VCF-style: chr17-40933223-C-A.
Other names: p.Pro169=; c.-413C>A (NM_001321299.2).
Identifiers: ClinVar variation 323313 (VCV000323313.11), dbSNP rs61754328, ClinGen allele CA8583695.

ClinVar aggregate classification (germline): Benign/Likely benign. Review status: criteria provided, multiple submitters, no conflicts (2 of 4 stars). 5 submissions from 5 submitters: Benign (3); Likely benign (2). Last evaluated 2025-08-25.

Conditions:
Pseudohypoaldosteronism type 2B (PHA2B). Also called: Pseudohypoaldosteronism Type IIB. Identifiers: Orphanet 757, Orphanet 88939, MedGen C1840390, MONDO:0013777, OMIM 614491.

Allele frequency attached by ClinVar (database versions not stated): ESP Exome Variant Server 0.00008; 1000 Genomes Project 30x 0.00031; 1000 Genomes Project 0.00040; TOPMed 0.00040; gnomAD exomes 0.00063; ExAC 0.00064.
gnomAD v4.1: 782 of 1,614,188 alleles (0.048%); highest among the groups gnomAD compares: Middle Eastern, 1.8%; 6 homozygotes.

Submissions (5):

Labcorp Genetics (formerly Invitae), Labcorp
Classification: Benign. Last evaluated: 2025-08-25. Review status: criteria provided, single submitter. Criteria: Invitae Variant Classification Sherloc (09022015). Collection method: clinical testing. Allele origin: germline.

Mayo Clinic Laboratories, Mayo Clinic
Classification: Likely benign. Last evaluated: 2025-05-14. Review status: criteria provided, single submitter. Criteria: ACMG Guidelines, 2015. Collection method: clinical testing. Allele origin: germline. Observed: 1 variant allele.
Comment: BS1, BP4, BP7

Blueprint Genetics
Classification: Likely benign. Last evaluated: 2024-11-25. Review status: criteria provided, single submitter. Criteria: ACMG Guidelines, 2015. Collection method: clinical testing. Allele origin: germline.

Illumina Laboratory Services, Illumina
Classification: Benign for Pseudohypoaldosteronism type 2B. Last evaluated: 2018-01-13. Review status: criteria provided, single submitter. Criteria: ICSL Variant Classification Criteria 13 December 2019. Collection method: clinical testing. Allele origin: germline.
Comment: This variant was observed in the ICSL laboratory as part of a predisposition screen in an ostensibly healthy population. It had not been previously curated by ICSL or reported in the Human Gene Mutation Database (HGMD: prior to June 1st, 2018), and was therefore a candidate for classification through an automated scoring system. Utilizing variant allele frequency, disease prevalence and penetrance estimates, and inheritance mode, an automated score was calculated to assess if this variant is too frequent to cause the disease. Based on the score and internal cut-off values, a variant classified as benign is not then subjected to further curation. The score for this variant resulted in a classification of benign for this disease.

Breakthrough Genomics
Classification: Benign. Review status: criteria provided, single submitter. Criteria: ACMG Guidelines, 2015. Collection method: not provided. Allele origin: germline. Inheritance: Autosomal dominant inheritance. Affected: yes.